The following is an entry in ClinVar:

NM_212482.4(FN1):c.3034A>G (p.Thr1012Ala)

Gene: FN1 (fibronectin 1; minus strand). Cytogenetic location: 2q35.
Variant type: single nucleotide variant.
Coding change: c.3034A>G on transcript NM_212482.4 (MANE Select); coding-DNA position 3034, A replaced by G.
Protein change: p.Thr1012Ala; replaces threonine 1012 with alanine.
Molecular consequence: missense variant.
Genome position (GRCh38, 1-based): chr2:215,404,608, T>C on the plus strand (A>G on the coding strand, the complement: FN1 is on the minus strand). VCF-style: chr2-215404608-T-C. GRCh37 (hg19) VCF-style: chr2-216269331-T-C.
Other names: c.3034A>G, p.Thr1012Ala (NM_001306129.2, NM_001306130.2, NM_001306131.2 and 13 more transcripts); short protein forms T1012A.
Identifiers: ClinVar variation 4025927 (VCV004025927.2).

ClinVar aggregate classification (germline): Uncertain significance. Review status: criteria provided, multiple submitters, no conflicts (2 of 4 stars). 2 submissions from 2 submitters: Uncertain significance (2). Last evaluated 2025-04-03.

Conditions:
Inborn genetic diseases. Identifiers: MedGen C0950123, MeSH D030342.

gnomAD v4.1: 1 of 1,613,942 alleles (0.000062%); highest among the groups gnomAD compares: Non-Finnish European, 0.000085%; no homozygotes.

Submissions (2):

Labcorp Genetics (formerly Invitae), Labcorp
Classification: Uncertain significance. Last evaluated: 2025-04-03. Review status: criteria provided, single submitter. Criteria: Invitae Variant Classification Sherloc (09022015). Collection method: clinical testing. Allele origin: germline.
Comment: This sequence change replaces threonine, which is neutral and polar, with alanine, which is neutral and non-polar, at codon 1012 of the FN1 protein (p.Thr1012Ala). This variant is not present in population databases (gnomAD no frequency). This variant has not been reported in the literature in individuals affected with FN1-related conditions. An algorithm developed to predict the effect of missense changes on protein structure and function (PolyPhen-2) suggests that this variant is likely to be tolerated. In summary, the available evidence is currently insufficient to determine the role of this variant in disease. Therefore, it has been classified as a Variant of Uncertain Significance.

Ambry Genetics
Classification: Uncertain significance for Inborn genetic diseases. Last evaluated: 2025-03-27. Review status: criteria provided, single submitter. Criteria: Ambry Variant Classification Scheme 2023. Collection method: clinical testing. Allele origin: germline.